The following is an entry in ClinVar:

ClinVar aggregate classification (germline): Conflicting classifications of pathogenicity. Review status: criteria provided, conflicting classifications (1 of 4 stars). 9 submissions from 8 submitters: Uncertain significance (6); Likely benign (1). 2 of the submissions do not count toward it. Last evaluated 2025-12-01.

Conditions:
Hereditary cancer-predisposing syndrome. Also called: Neoplastic Syndromes, Hereditary; Hereditary Cancer Syndrome; Hereditary neoplastic syndrome; Tumor predisposition. Identifiers: Orphanet 140162, MedGen C0027672, MeSH D009386, MONDO:0015356.
Fanconi anemia complementation group O. Also called: RAD51C-Related Fanconi Anemia. Identifiers: Orphanet 84, MedGen C3150653, MONDO:0013248, OMIM 613390.
Breast-ovarian cancer, familial, susceptibility to, 3. Also called: RAD51C-Related Breast/Ovarian Cancer. Identifiers: Orphanet 145, MedGen C3150659, MONDO:0013253, OMIM 613399.

Allele frequency attached by ClinVar (database versions not stated): TOPMed below 0.00001; gnomAD exomes 0.00001.
gnomAD v4.1: 8 of 1,612,616 alleles (0.0005%); highest among the groups gnomAD compares: East Asian, 0.011%; no homozygotes.

Submissions (9):

Labcorp Genetics (formerly Invitae), Labcorp
Classification: Uncertain significance for Fanconi anemia complementation group O. Last evaluated: 2025-12-01. Review status: criteria provided, single submitter. Criteria: Invitae Variant Classification Sherloc (09022015). Collection method: clinical testing. Allele origin: germline.
Comment: This sequence change replaces threonine, which is neutral and polar, with alanine, which is neutral and non-polar, at codon 288 of the RAD51C protein (p.Thr288Ala). This variant is not present in population databases (gnomAD no frequency). This variant has not been reported in the literature in individuals affected with RAD51C-related conditions. ClinVar contains an entry for this variant (Variation ID: 141205). Invitae Evidence Modeling of protein sequence and biophysical properties (such as structural, functional, and spatial information, amino acid conservation, physicochemical variation, residue mobility, and thermodynamic stability) has been performed for this missense variant. However, the output from this modeling did not meet the statistical confidence thresholds required to predict the impact of this variant on RAD51C protein function. Experimental studies have shown that this missense change does not substantially affect RAD51C function (PMID: 37253112). In summary, the available evidence is currently insufficient to determine the role of this variant in disease. Therefore, it has been classified as a Variant of Uncertain Significance.

Baylor Genetics
Classification: Uncertain significance for Breast-ovarian cancer, familial, susceptibility to, 3. Last evaluated: 2024-02-25. Review status: criteria provided, single submitter. Criteria: ACMG Guidelines, 2015. Collection method: clinical testing. Allele origin: unknown.

GeneDx
Classification: Uncertain significance. Last evaluated: 2024-02-20. Review status: criteria provided, single submitter. Criteria: GeneDx Variant Classification Process June 2021. Collection method: clinical testing. Allele origin: germline. Affected: yes.
Comment: Not observed at significant frequency in large population cohorts (gnomAD); In silico analysis supports that this missense variant has a deleterious effect on protein structure/function; This variant is associated with the following publications: (PMID: 27852271, 14704354, 36243179)

Ambry Genetics
Classification: Likely benign for Hereditary cancer-predisposing syndrome. Last evaluated: 2023-12-06. Review status: criteria provided, single submitter. Criteria: Ambry Variant Classification Scheme 2023. Collection method: clinical testing. Allele origin: germline.

Myriad Genetics, Inc.
Classification: Uncertain significance for Breast-ovarian cancer, familial, susceptibility to, 3. Last evaluated: 2023-04-05. Review status: criteria provided, single submitter. Criteria: Myriad Autosomal Dominant, Autosomal Recessive and X-Linked Classification Criteria (2023). Collection method: clinical testing. Allele origin: unknown.
Comment: This variant is classified as a variant of uncertain significance as there is insufficient evidence to determine its impact on protein function and/or cancer risk.

Color Diagnostics, LLC DBA Color Health
Classification: Uncertain significance for Hereditary cancer-predisposing syndrome. Last evaluated: 2022-11-16. Review status: criteria provided, single submitter. Criteria: ACMG Guidelines, 2015. Collection method: clinical testing. Allele origin: germline.
Comment: This missense variant replaces threonine with alanine at codon 288 of the RAD51C protein. Computational prediction suggests that this variant may not impact protein structure and function (internally defined REVEL score threshold <= 0.5, PMID: 27666373). To our knowledge, functional studies have not been reported for this variant. This variant has not been reported in individuals affected with RAD51C-related disorders in the literature. This variant has not been identified in the general population by the Genome Aggregation Database (gnomAD). The available evidence is insufficient to determine the role of this variant in disease conclusively. Therefore, this variant is classified as a Variant of Uncertain Significance.

Quest Diagnostics Nichols Institute San Juan Capistrano
Classification: Uncertain significance. Last evaluated: 2019-03-20. Review status: criteria provided, single submitter. Criteria: Quest Diagnostics criteria. Collection method: clinical testing. Allele origin: germline.

Counsyl
Classification: Uncertain significance for Fanconi anemia complementation group O. Last evaluated: 2016-07-21. Review status: no assertion criteria provided. Collection method: clinical testing. Allele origin: unknown. Not counted in ClinVar's aggregate classification.

Counsyl
Classification: Uncertain significance for Breast-ovarian cancer, familial, susceptibility to, 3. Last evaluated: 2016-07-21. Review status: no assertion criteria provided. Collection method: clinical testing. Allele origin: unknown. Not counted in ClinVar's aggregate classification.

Literature cited by the submitters: PubMed 37253112 (cited by Labcorp Genetics (formerly Invitae), Labcorp and Ambry Genetics).

NM_058216.3(RAD51C):c.862A>G (p.Thr288Ala)

Gene: RAD51C (RAD51 paralog C; plus strand). Cytogenetic location: 17q22.
Variant type: single nucleotide variant.
Coding change: c.862A>G on transcript NM_058216.3 (MANE Select); coding-DNA position 862, A replaced by G.
Protein change: p.Thr288Ala; replaces threonine 288 with alanine.
Molecular consequence: missense variant. On other transcripts: non-coding transcript variant (1).
Genome position (GRCh38, 1-based): chr17:58,720,770, A>G. VCF-style: chr17-58720770-A-G. GRCh37 (hg19) VCF-style: chr17-56798131-A-G.
Other names: short protein forms T288A.
Identifiers: ClinVar variation 141205 (VCV000141205.19), dbSNP rs587781574, ClinGen allele CA164765.